The following is an entry in ClinVar:

NM_000222.3(KIT):c.1375G>A (p.Val459Met)

Gene: KIT (KIT proto-oncogene, receptor tyrosine kinase; plus strand). Cytogenetic location: 4q12.
Variant type: single nucleotide variant.
Coding change: c.1375G>A on transcript NM_000222.3 (MANE Select); coding-DNA position 1375, G replaced by A.
Protein change: p.Val459Met; replaces valine 459 with methionine.
Molecular consequence: missense variant.
Genome position (GRCh38, 1-based): chr4:54,725,885, G>A. VCF-style: chr4-54725885-G-A. GRCh37 (hg19) VCF-style: chr4-55592051-G-A.
Other names: c.1375G>A, p.Val459Met (NM_001093772.2, NM_001385285.1, NM_001385286.1); c.1378G>A, p.Val460Met (NM_001385284.1, NM_001385288.1, NM_001385290.1 and 1 more transcripts); c.1375G>A (NM_000222.2); short protein forms V459M, V460M.
Identifiers: ClinVar variation 1036847 (VCV001036847.10), dbSNP rs1722185482, ClinGen allele CA356906264.

ClinVar aggregate classification (germline): Uncertain significance. Review status: criteria provided, multiple submitters, no conflicts (2 of 4 stars). 2 submissions from 2 submitters: Uncertain significance (2). Last evaluated 2023-03-18.

Conditions:
Gastrointestinal stromal tumor. Also called: Gastrointestinal stromal tumor, somatic; Gastrointestinal stroma tumor. Identifiers: Orphanet 44890, MedGen C0238198, MeSH D046152, MONDO:0011719, OMIM 606764, HP:0100723.
Hereditary cancer-predisposing syndrome. Also called: Tumor predisposition; Neoplastic Syndromes, Hereditary; Hereditary neoplastic syndrome; Hereditary Cancer Syndrome. Identifiers: Orphanet 140162, MedGen C0027672, MeSH D009386, MONDO:0015356.

Submissions (2):

Ambry Genetics
Classification: Uncertain significance for Hereditary cancer-predisposing syndrome. Last evaluated: 2023-03-18. Review status: criteria provided, single submitter. Criteria: Ambry Variant Classification Scheme 2023. Collection method: clinical testing. Allele origin: germline.
Comment: The p.V459M variant (also known as c.1375G>A), located in coding exon 9 of the KIT gene, results from a G to A substitution at nucleotide position 1375. The valine at codon 459 is replaced by methionine, an amino acid with highly similar properties. This amino acid position is conserved. In addition, this alteration is predicted to be tolerated by in silico analysis. Since supporting evidence is limited at this time, the clinical significance of this alteration remains unclear.

Labcorp Genetics (formerly Invitae), Labcorp
Classification: Uncertain significance for Gastrointestinal stromal tumor. Last evaluated: 2022-08-23. Review status: criteria provided, single submitter. Criteria: Invitae Variant Classification Sherloc (09022015). Collection method: clinical testing. Allele origin: germline.
Comment: In summary, the available evidence is currently insufficient to determine the role of this variant in disease. Therefore, it has been classified as a Variant of Uncertain Significance. Algorithms developed to predict the effect of missense changes on protein structure and function (SIFT, PolyPhen-2, Align-GVGD) all suggest that this variant is likely to be tolerated. ClinVar contains an entry for this variant (Variation ID: 1036847). This variant has not been reported in the literature in individuals affected with KIT-related conditions. This variant is not present in population databases (gnomAD no frequency). This sequence change replaces valine, which is neutral and non-polar, with methionine, which is neutral and non-polar, at codon 459 of the KIT protein (p.Val459Met).